The following is an entry in ClinVar:

NM_007294.4(BRCA1):c.4803del (p.Val1602fs)

Gene: BRCA1 (BRCA1 DNA repair associated; minus strand). Cytogenetic location: 17q21.31.
Variant type: Deletion.
Coding change: c.4803del on transcript NM_007294.4 (MANE Select); coding-DNA position 4803, one base deleted (A; older notation c.4803delA).
Protein change: p.Val1602fs; shifts the reading frame from valine 1602.
Molecular consequence: frameshift variant. On other transcripts: non-coding transcript variant (1).
Genome position (GRCh38, 1-based): chr17:43,071,111, T deleted on the plus strand (A on the coding strand, the reverse complement: BRCA1 is on the minus strand); the first of 3 consecutive T bases (chr17:43,071,111-43,071,113); deleting any one gives the same sequence. VCF-style (leftmost placement, unchanged base first): chr17-43071110-CT-C. GRCh37 (hg19) VCF-style: chr17-41223127-CT-C.
Other names: c.4803delA (NM_007294.3); c.4588delA, p.Val1531Phefs (NM_001407571.1, NM_001407894.1, NM_001407895.1 and 12 more transcripts); c.4867delA, p.Val1624Phefs (NM_001407581.1, NM_001407582.1); c.4864delA, p.Val1623Phefs (NM_001407583.1, NM_001407585.1, NM_001407587.1); c.4861delA, p.Val1622Phefs (NM_001407590.1, NM_001407591.1); c.4801delA, p.Val1602Phefs (NM_001407593.1, NM_001407594.1, NM_001407596.1 and 8 more transcripts); c.4798delA, p.Val1601Phefs (NM_001407610.1, NM_001407611.1, NM_001407612.1 and 17 more transcripts); c.4795delA, p.Val1600Phefs (NM_001407627.1, NM_001407628.1, NM_001407629.1 and 14 more transcripts); and 74 more; short protein forms V1602fs, V498fs, V1623fs, V1555fs.
Identifiers: ClinVar variation 479212 (VCV000479212.10), dbSNP rs1555580912, ClinGen allele CA658656622.

ClinVar aggregate classification (germline): Pathogenic. Review status: criteria provided, multiple submitters, no conflicts (2 of 4 stars). 3 submissions from 3 submitters: Pathogenic (2). 1 of the submissions does not count toward it. Last evaluated 2025-05-26.

Conditions:
Hereditary cancer-predisposing syndrome. Also called: Tumor predisposition; Hereditary Cancer Syndrome; Hereditary neoplastic syndrome; Neoplastic Syndromes, Hereditary. Identifiers: Orphanet 140162, MedGen C0027672, MeSH D009386, MONDO:0015356.
Hereditary breast ovarian cancer syndrome. Also called: Breast and ovarian cancer; Hereditary breast and/or ovarian cancer syndrome; BRCA1- and BRCA2-Associated Hereditary Breast and Ovarian Cancer; Hereditary breast and ovarian cancer syndrome; Hereditary breast and ovarian cancer syndrome (HBOC); Hereditary breast and ovarian cancer. Identifiers: Orphanet 145, MedGen C0677776, MeSH D061325, MONDO:0003582. Disease mechanism: loss of function.
Breast-ovarian cancer, familial, susceptibility to, 1 (BROVCA1). Also called: BRCA1 Hereditary Breast and Ovarian Cancer; OVARIAN CANCER, SUSCEPTIBILITY TO. Identifiers: Orphanet 145, MedGen C2676676, MONDO:0011450, OMIM 604370. Disease mechanism: loss of function.

Submissions (3):

Labcorp Genetics (formerly Invitae), Labcorp
Classification: Pathogenic for Hereditary breast ovarian cancer syndrome. Last evaluated: 2025-05-26. Review status: criteria provided, single submitter. Criteria: Invitae Variant Classification Sherloc (09022015). Collection method: clinical testing. Allele origin: germline.
Comment: This sequence change creates a premature translational stop signal (p.Val1602Phefs*4) in the BRCA1 gene. It is expected to result in an absent or disrupted protein product. Loss-of-function variants in BRCA1 are known to be pathogenic (PMID: 20104584). This variant is not present in population databases (gnomAD no frequency). This variant has not been reported in the literature in individuals affected with BRCA1-related conditions. ClinVar contains an entry for this variant (Variation ID: 479212). For these reasons, this variant has been classified as Pathogenic.

Ambry Genetics
Classification: Pathogenic for Hereditary cancer-predisposing syndrome. Last evaluated: 2016-05-20. Review status: criteria provided, single submitter. Criteria: Ambry Variant Classification Scheme 2023. Collection method: clinical testing. Allele origin: germline.
Comment: The c.4803delA pathogenic mutation, located in coding exon 14 of the BRCA1 gene, results from a deletion of one nucleotide at nucleotide position 4803, causing a translational frameshift with a predicted alternate stop codon. Since frameshifts are typically deleterious in nature, this alteration is interpreted as a disease-causing mutation (ACMG Recommendations for Standards for Interpretation and Reporting of Sequence Variations. Revision 2007. Genet Med. 2008;10:294).

Department of Pathology and Laboratory Medicine, Sinai Health System
Classification: Pathogenic for Breast-ovarian cancer, familial, susceptibility to, 1. Review status: no assertion criteria provided. Collection method: clinical testing. Allele origin: unknown. Affected: yes. Study: The Canadian Open Genetics Repository (COGR). Not counted in ClinVar's aggregate classification.
Comment: The BRCA1 p.Val1602Phefs*4 variant was not identified in the literature nor was it identified in the dbSNP, or UMD-LSDB, databases. The variant was identified in ClinVar (classified as pathogenic by Ambry Genetics), and LOVD 3.0 (2x as pathogenic). The variant was not identified in the following control databases: the Exome Aggregation Consortium (August 8th 2016), or the Genome Aggregation Database (Feb 27, 2017). The c.4803del variant is predicted to cause a frameshift, which alters the protein's amino acid sequence beginning at codon 1602 and leads to a premature stop codon at position 1605. This alteration is then predicted to result in a truncated or absent protein and loss of function. Loss of function variants of the BRCA1 gene are an established mechanism of disease in breast HBOC and is the type of variant expected to cause the disorder. In summary, based on the above information this variant meets our laboratoryâ€šÃ„Ã´s criteria to be classified as pathogenic.

Literature cited by the submitters: PubMed 20104584 (cited by Labcorp Genetics (formerly Invitae), Labcorp).